The following is an entry in ClinVar:

NM_020159.5(SMARCAD1):c.951A>G (p.Gln317=)

Gene: SMARCAD1 (SNF2 related chromatin remodeling ATPase with DExD box 1; plus strand). Cytogenetic location: 4q22.3.
Variant type: single nucleotide variant.
Coding change: c.951A>G on transcript NM_020159.5 (MANE Select); coding-DNA position 951, A replaced by G.
Protein change: p.Gln317=; no amino-acid change (glutamine 317 retained).
Molecular consequence: synonymous variant. On other transcripts: non-coding transcript variant (17).
Genome position (GRCh38, 1-based): chr4:94,252,677, A>G. VCF-style: chr4-94252677-A-G. GRCh37 (hg19) VCF-style: chr4-95173828-A-G.
Other names: c.951A>G, p.Gln317= (NM_001128429.3, NM_001128430.2, NM_001375855.1 and 2 more transcripts); c.948A>G, p.Gln316= (NM_001375857.1).
Identifiers: ClinVar variation 3388672 (VCV003388672.14).

ClinVar aggregate classification (germline): Likely benign (1 of 4 stars; one submission).

gnomAD v4.1: 4 of 1,582,622 alleles (0.00025%); highest among the groups gnomAD compares: Middle Eastern, 0.017%; no homozygotes.

Submission:

CeGaT Center for Human Genetics Tuebingen
Classification: Likely benign. Last evaluated: 2024-10-01. Review status: criteria provided, single submitter. Criteria: CeGaT Center For Human Genetics Tuebingen Variant Classification Criteria Version 2. Collection method: clinical testing. Allele origin: germline. Affected: yes. Observed: 1 variant allele.
Comment: SMARCAD1: BP4, BP7